The following is an entry in ClinVar:

NM_000038.6(APC):c.1747T>C (p.Ser583Pro)

Gene: APC (APC regulator of Wnt signaling pathway; plus strand). Cytogenetic location: 5q22.2.
Variant type: single nucleotide variant.
Coding change: c.1747T>C on transcript NM_000038.6 (MANE Select); coding-DNA position 1747, T replaced by C.
Protein change: p.Ser583Pro; replaces serine 583 with proline.
Molecular consequence: missense variant.
Genome position (GRCh38, 1-based): chr5:112,834,954, T>C. VCF-style: chr5-112834954-T-C. GRCh37 (hg19) VCF-style: chr5-112170651-T-C.
Other names: c.1747T>C, p.Ser583Pro (NM_001127510.3, NM_001354895.2); c.1693T>C, p.Ser565Pro (NM_001127511.3); c.1801T>C, p.Ser601Pro (NM_001354896.2); c.1777T>C, p.Ser593Pro (NM_001354897.2); c.1672T>C, p.Ser558Pro (NM_001354898.2); c.1663T>C, p.Ser555Pro (NM_001354899.2); c.1624T>C, p.Ser542Pro (NM_001354900.2); c.1570T>C, p.Ser524Pro (NM_001354901.2); and 5 more; short protein forms S423P, S542P, S555P, S565P, S583P, S300P, S482P, S492P.
Identifiers: ClinVar variation 819981 (VCV000819981.4), dbSNP rs1060503379, ClinGen allele CA16025135.

ClinVar aggregate classification (germline): Uncertain significance (1 of 4 stars; one submission).

Conditions:
Hereditary cancer-predisposing syndrome. Also called: Neoplastic Syndromes, Hereditary; Tumor predisposition; Hereditary Cancer Syndrome; Hereditary neoplastic syndrome. Identifiers: Orphanet 140162, MedGen C0027672, MeSH D009386, MONDO:0015356.

Submission:

Ambry Genetics
Classification: Uncertain significance for Hereditary cancer-predisposing syndrome. Last evaluated: 2019-02-28. Review status: criteria provided, single submitter. Criteria: Ambry Variant Classification Scheme 2023. Collection method: clinical testing. Allele origin: germline.
Comment: The p.S583P variant (also known as c.1747T>C), located in coding exon 14 of the APC gene, results from a T to C substitution at nucleotide position 1747. The serine at codon 583 is replaced by proline, an amino acid with similar properties. This amino acid position is highly conserved in available vertebrate species. In addition, in silico predictors for this gene do not accurately predict pathogenicity. Since supporting evidence is limited at this time, the clinical significance of this alteration remains unclear.